The following is an entry in ClinVar:

NM_001754.5(RUNX1):c.149_158dup (p.Ser53fs)

Gene: RUNX1 (RUNX family transcription factor 1; minus strand). Cytogenetic location: 21q22.12.
Variant type: Duplication.
Coding change: c.149_158dup on transcript NM_001754.5 (MANE Select); coding-DNA positions 149 to 158, 10 bases duplicated (GCAAGATGAG; older notation c.149_158dupGCAAGATGAG).
Protein change: p.Ser53fs; shifts the reading frame from serine 53.
Molecular consequence: frameshift variant.
Genome position (GRCh38, 1-based): chr21:34,887,036-34,887,045, CTCATCTTGC duplicated on the plus strand (GCAAGATGAG on the coding strand, the reverse complement: RUNX1 is on the minus strand); duplicating any 10 consecutive bases within chr21:34,887,036-34,887,047 gives the same sequence; the c. name uses the placement nearest the transcript's 3' end. VCF-style (leftmost placement, unchanged base first): chr21-34887035-G-GCTCATCTTGC. GRCh37 (hg19) VCF-style: chr21-36259332-G-GCTCATCTTGC.
Other names: NM_001754.5(RUNX1):c.149_158dup; p.Ser53fs; c.68_77dup, p.Ser26fs (NM_001001890.3, NM_001122607.2); short protein forms S26fs, S53fs.
Identifiers: ClinVar variation 1076589 (VCV001076589.8), dbSNP rs2146413580, ClinGen allele CA2499225884.

ClinVar aggregate classification (germline): Pathogenic. Review status: reviewed by expert panel (3 of 4 stars). 2 submissions from 2 submitters: Pathogenic (1). 1 of the submissions does not count toward it. Last evaluated 2022-07-05.

Conditions:
Hereditary thrombocytopenia and hematologic cancer predisposition syndrome. Identifiers: Orphanet 71290, MedGen CN281654, MONDO:0011071.
Hereditary thrombocytopenia and hematological cancer predisposition syndrome associated with RUNX1. Also called: PLATELET DISORDER, ASPIRIN-LIKE; RUNX1 Familial Platelet Disorder with Associated Myeloid Malignancies; Familial Platelet Disorder with Propensity to Acute Myelogenous Leukemia; Familial thrombocytopenia with propensity to acute myelogenous leukemia. Identifiers: Orphanet 71290, MedGen C1832388, MeSH C563324, MONDO:0100083, OMIM 601399.

Submissions (2):

ClinGen Myeloid Malignancy Variant Curation Expert Panel
Classification: Pathogenic for Hereditary thrombocytopenia and hematologic cancer predisposition syndrome. Last evaluated: 2022-07-05. Review status: reviewed by expert panel. Criteria: ClinGen MyeloMalig ACMG Specifications v2. Collection method: curation. Allele origin: germline. Inheritance: Autosomal dominant inheritance.
Comment: NM_001754.5(RUNX1):c.149_158dup (p.Ser53fs) is a frameshift variant that is predicted to undergo nonsense mediated decay (PVS1). This variant is completely absent from all population databases with at least 20x coverage for RUNX1 (PM2_supporting). Frameshift variant downstream of c.98 (in transcript NM_001754.5) (PM5_supporting). In summary, this variant meets criteria to be classified as pathogenic. ACMG/AMP criteria applied, as specified by the Myeloid Malignancy Variant Curation Expert Panel for RUNX1: PVS1, PM2_supporting and PM5_supporting.

Labcorp Genetics (formerly Invitae), Labcorp
Classification: Pathogenic for Hereditary thrombocytopenia and hematological cancer predisposition syndrome associated with RUNX1. Last evaluated: 2024-04-22. Review status: criteria provided, single submitter. Criteria: Invitae Variant Classification Sherloc (09022015). Collection method: clinical testing. Allele origin: germline. Not counted in ClinVar's aggregate classification.
Comment: This sequence change creates a premature translational stop signal (p.Ser53Argfs*88) in the RUNX1 gene. It is expected to result in an absent or disrupted protein product. Loss-of-function variants in RUNX1 are known to be pathogenic (PMID: 18723428, 24100448). This variant is not present in population databases (gnomAD no frequency). This variant has not been reported in the literature in individuals affected with RUNX1-related conditions. ClinVar contains an entry for this variant (Variation ID: 1076589). For these reasons, this variant has been classified as Pathogenic.

Literature cited by the submitters: PubMed 18723428 (cited by Labcorp Genetics (formerly Invitae), Labcorp); PubMed 24100448 (cited by Labcorp Genetics (formerly Invitae), Labcorp).